The following is an entry in ClinVar:

ClinVar aggregate classification (germline): Uncertain significance (1 of 4 stars; one submission).

Conditions:
Inborn genetic diseases. Identifiers: MedGen C0950123, MeSH D030342.

Allele frequency attached by ClinVar (database versions not stated): TOPMed 0.00001.

Submission:

Ambry Genetics
Classification: Uncertain significance for Inborn genetic diseases. Last evaluated: 2021-03-19. Review status: criteria provided, single submitter. Criteria: Ambry Variant Classification Scheme 2023. Collection method: clinical testing. Allele origin: germline.
Comment: The c.4444T>C (p.C1482R) alteration is located in exon 26 (coding exon 25) of the CEP152 gene. This alteration results from a T to C substitution at nucleotide position 4444, causing the cysteine (C) at amino acid position 1482 to be replaced by an arginine (R). The p.C1482R alteration is predicted to be tolerated by in silico analysis. Based on insufficient or conflicting evidence, the clinical significance of this alteration remains unclear.

NM_001194998.2(CEP152):c.4612T>C (p.Cys1538Arg)

Gene: CEP152 (centrosomal protein 152; minus strand). Cytogenetic location: 15q21.1.
Variant type: single nucleotide variant.
Coding change: c.4612T>C on transcript NM_001194998.2 (MANE Select); coding-DNA position 4612, T replaced by C.
Protein change: p.Cys1538Arg; replaces cysteine 1538 with arginine.
Molecular consequence: missense variant.
Genome position (GRCh38, 1-based): chr15:48,738,770, A>G on the plus strand (T>C on the coding strand, the complement: CEP152 is on the minus strand). VCF-style: chr15-48738770-A-G. GRCh37 (hg19) VCF-style: chr15-49030967-A-G.
Other names: c.4444T>C, p.Cys1482Arg (NM_014985.4); short protein forms C1482R, C1538R.
Identifiers: ClinVar variation 2229960 (VCV002229960.2), dbSNP rs1892746361, ClinGen allele CA392334050.